The following is an entry in ClinVar:

ClinVar aggregate classification (germline): Uncertain significance (1 of 4 stars; one submission).

gnomAD v4.1: 5 of 1,537,268 alleles (0.00033%); highest among the groups gnomAD compares: African/African-American, 0.0014%; no homozygotes.

Submission:

GeneDx
Classification: Uncertain significance. Last evaluated: 2025-05-07. Review status: criteria provided, single submitter. Criteria: GeneDx Variant Classification Process June 2021. Collection method: clinical testing. Allele origin: germline. Affected: yes.
Comment: Not observed at significant frequency in large population cohorts (gnomAD); In silico analysis supports that this missense variant has a deleterious effect on protein structure/function; Has not been previously published as pathogenic or benign to our knowledge

NM_001128159.3(VPS53):c.2366T>C (p.Leu789Pro)

Gene: VPS53 (VPS53 subunit of GARP complex; minus strand). Cytogenetic location: 17p13.3.
Variant type: single nucleotide variant.
Coding change: c.2366T>C on transcript NM_001128159.3 (MANE Select); coding-DNA position 2366, T replaced by C.
Protein change: p.Leu789Pro; replaces leucine 789 with proline.
Molecular consequence: missense variant.
Genome position (GRCh38, 1-based): chr17:519,261, A>G on the plus strand (T>C on the coding strand, the complement: VPS53 is on the minus strand). VCF-style: chr17-519261-A-G. GRCh37 (hg19) VCF-style: chr17-422501-A-G.
Other names: short protein forms L789P.
Identifiers: ClinVar variation 4527812 (VCV004527812.1).